The following is an entry in ClinVar:

ClinVar aggregate classification (germline): Likely benign. Review status: criteria provided, multiple submitters, no conflicts (2 of 4 stars). 4 submissions from 4 submitters: Likely benign (4). Last evaluated 2025-12-06.

Conditions:
Cardiovascular phenotype. Identifiers: MedGen CN230736.
Brugada syndrome 8 (BRGDA8). Identifiers: Orphanet 130, MedGen C2751083, MONDO:0013148, OMIM 613123.

Allele frequency attached by ClinVar (database versions not stated): gnomAD exomes below 0.00001; ExAC 0.00002; TOPMed 0.00002; gnomAD 0.00003.
gnomAD v4.1: 23 of 1,593,858 alleles (0.0014%); highest among the groups gnomAD compares: African/African-American, 0.004%; no homozygotes.

Submissions (4):

Mayo Clinic Laboratories, Mayo Clinic
Classification: Likely benign. Last evaluated: 2025-12-06. Review status: criteria provided, single submitter. Criteria: ACMG Guidelines, 2015. Collection method: clinical testing. Allele origin: germline. Observed: 1 variant allele.
Comment: BP4, BP7

Labcorp Genetics (formerly Invitae), Labcorp
Classification: Likely benign for Brugada syndrome 8. Last evaluated: 2025-08-11. Review status: criteria provided, single submitter. Criteria: Invitae Variant Classification Sherloc (09022015). Collection method: clinical testing. Allele origin: germline.

Molecular Diagnostic Laboratory for Inherited Cardiovascular Disease, Montreal Heart Institute
Classification: Likely benign. Last evaluated: 2025-04-09. Review status: criteria provided, single submitter. Criteria: ACMG Guidelines, 2015. Collection method: clinical testing. Allele origin: germline. Affected: no.

Ambry Genetics
Classification: Likely benign for Cardiovascular phenotype. Last evaluated: 2019-11-28. Review status: criteria provided, single submitter. Criteria: Ambry Variant Classification Scheme 2023. Collection method: clinical testing. Allele origin: germline.

NM_005477.3(HCN4):c.3411C>T (p.Pro1137=)

Gene: HCN4 (hyperpolarization activated cyclic nucleotide gated potassium channel 4; minus strand). Cytogenetic location: 15q24.1.
Variant type: single nucleotide variant.
Coding change: c.3411C>T on transcript NM_005477.3 (MANE Select); coding-DNA position 3411, C replaced by T.
Protein change: p.Pro1137=; no amino-acid change (proline 1137 retained).
Molecular consequence: synonymous variant.
Genome position (GRCh38, 1-based): chr15:73,322,682, G>A on the plus strand (C>T on the coding strand, the complement: HCN4 is on the minus strand). VCF-style: chr15-73322682-G-A. GRCh37 (hg19) VCF-style: chr15-73615023-G-A.
Other names: p.Pro1137=.
Identifiers: ClinVar variation 1569702 (VCV001569702.12), dbSNP rs763496884, ClinGen allele CA7648828.